The following is an entry in ClinVar:

NM_001039348.3(EFEMP1):c.1169C>T (p.Pro390Leu)

Gene: EFEMP1 (EGF-like fibulin extracellular matrix protein 1; minus strand). Cytogenetic location: 2p16.1.
Variant type: single nucleotide variant.
Coding change: c.1169C>T on transcript NM_001039348.3 (MANE Select); coding-DNA position 1169, C replaced by T.
Protein change: p.Pro390Leu; replaces proline 390 with leucine.
Molecular consequence: missense variant.
Genome position (GRCh38, 1-based): chr2:55,870,871, G>A on the plus strand (C>T on the coding strand, the complement: EFEMP1 is on the minus strand). VCF-style: chr2-55870871-G-A. GRCh37 (hg19) VCF-style: chr2-56098006-G-A.
Other names: c.1169C>T, p.Pro390Leu (NM_001039349.3); short protein forms P390L.
Identifiers: ClinVar variation 3652488 (VCV003652488.2).
Genomic context (GRCh38, chr2:55,870,871, plus strand): 5'-ATGTCTGATGGCACAGACCTATCAGATCGGATGCTCATGTATTTGTAGACTATTGACTGG[G>A]GCAGTTCTCGGCACATGGCATTTGAGACTGGGCAAACACATCGGCTGCAGAGACAAACAA-3'
Protein context (NP_001034437.1, residues 380-400): PVSNAMCREL[Pro390Leu]QSIVYKYMSI

ClinVar aggregate classification (germline): Uncertain significance (1 of 4 stars; one submission).

Submission:

Labcorp Genetics (formerly Invitae), Labcorp
Classification: Uncertain significance. Last evaluated: 2024-05-07. Review status: criteria provided, single submitter. Criteria: Invitae Variant Classification Sherloc (09022015). Collection method: clinical testing. Allele origin: germline.
Comment: This sequence change replaces proline, which is neutral and non-polar, with leucine, which is neutral and non-polar, at codon 390 of the EFEMP1 protein (p.Pro390Leu). This variant is not present in population databases (gnomAD no frequency). This variant has not been reported in the literature in individuals affected with EFEMP1-related conditions. Advanced modeling of protein sequence and biophysical properties (such as structural, functional, and spatial information, amino acid conservation, physicochemical variation, residue mobility, and thermodynamic stability) performed at Invitae indicates that this missense variant is not expected to disrupt EFEMP1 protein function with a negative predictive value of 80%. In summary, the available evidence is currently insufficient to determine the role of this variant in disease. Therefore, it has been classified as a Variant of Uncertain Significance.